The following is an entry in ClinVar:

NM_001204.7(BMPR2):c.637C>T (p.Arg213Ter)

Gene: BMPR2 (bone morphogenetic protein receptor type 2; plus strand). Cytogenetic location: 2q33.2.
Variant type: single nucleotide variant.
Coding change: c.637C>T on transcript NM_001204.7 (MANE Select); coding-DNA position 637, C replaced by T.
Protein change: p.Arg213Ter; replaces arginine 213 with a stop codon.
Molecular consequence: nonsense.
Genome position (GRCh38, 1-based): chr2:202,518,837, C>T. VCF-style: chr2-202518837-C-T. GRCh37 (hg19) VCF-style: chr2-203383560-C-T.
Other names: p.Arg213Ter; c.637C>T, p.R213* (LRG_712t1); short protein forms R213*.
Identifiers: ClinVar variation 280019 (VCV000280019.12), dbSNP rs886041324, ClinGen allele CA10602824.
Genomic context (GRCh38, chr2:202,518,837, plus strand): 5'-TTCAATTGTGATATTAATACCTTGCTTTCTTTAAAACACTTGCAGCTGATTGGCCGAGGT[C>T]GATATGGAGCAGTATATAAAGGCTCCTTGGATGAGCGTCCAGTTGCTGTAAAAGTGTTTT-3'

ClinVar aggregate classification (germline): Pathogenic. Review status: criteria provided, multiple submitters, no conflicts (2 of 4 stars). 7 submissions from 7 submitters: Pathogenic (4). 3 of the submissions do not count toward it. Last evaluated 2024-11-16.

Conditions:
Idiopathic and/or familial pulmonary arterial hypertension. Identifiers: Orphanet 422, MedGen C5679820, MONDO:0008347.
Pulmonary arterial hypertension. Identifiers: Orphanet 182090, MedGen C2973725, MeSH D000081029, MONDO:0015924, HP:0002092.
Primary pulmonary hypertension. Also called: Idiopathic pulmonary hypertension. Identifiers: MedGen C0152171.
Pulmonary hypertension, primary, 1 (PPH1). Also called: Pulmonary hypertension, familial primary, 1, with or without HHT. Identifiers: Orphanet 422, MedGen C4552070, MONDO:0024533, OMIM 178600.
Pulmonary venoocclusive disease 1 (PVOD1). Also called: Pulmonary venoocclusive disease 1, autosomal dominant. Identifiers: Orphanet 31837, MedGen C3887658, MONDO:0020713, OMIM 265450.

Submissions (7):

Labcorp Genetics (formerly Invitae), Labcorp
Classification: Pathogenic for Primary pulmonary hypertension. Last evaluated: 2024-11-16. Review status: criteria provided, single submitter. Criteria: Invitae Variant Classification Sherloc (09022015). Collection method: clinical testing. Allele origin: germline.
Comment: This sequence change creates a premature translational stop signal (p.Arg213*) in the BMPR2 gene. It is expected to result in an absent or disrupted protein product. Loss-of-function variants in BMPR2 are known to be pathogenic (PMID: 16429395). This variant is not present in population databases (gnomAD no frequency). This premature translational stop signal has been observed in individual(s) with pulmonary hypertension (PMID: 15146475). ClinVar contains an entry for this variant (Variation ID: 280019). For these reasons, this variant has been classified as Pathogenic.

Molecular Genetics and NGS Laboratory, Hospital Fundacion Valle Del Lili
Classification: Pathogenic for Pulmonary hypertension, primary, 1; Pulmonary venoocclusive disease 1. Last evaluated: 2023-11-01. Review status: criteria provided, single submitter. Criteria: ACMG Guidelines, 2015. Collection method: clinical testing. Allele origin: germline. Affected: yes. Observed: 1 variant allele.

GeneDx
Classification: Pathogenic. Last evaluated: 2020-12-22. Review status: criteria provided, single submitter. Criteria: GeneDx Variant Classification Process June 2021. Collection method: clinical testing. Allele origin: germline. Affected: yes.
Comment: Not observed in large population cohorts (Lek et al., 2016); Nonsense variant predicted to result in protein truncation or nonsense mediated decay in a gene for which loss-of-function is a known mechanism of disease; Published in vitro functional studies demonstrate significantly reduced protein expression in patient cells (Long et al., 2020); This variant is associated with the following publications: (PMID: 25525159, 15146475, 16429395, 32581362, 23590310, 30578397, 24591673, 16717148, 32733669, 31727138)

Juno Genomics, Hangzhou Juno Genomics, Inc
Classification: Pathogenic for Pulmonary hypertension, primary, 1; Pulmonary venoocclusive disease 1. Review status: criteria provided, single submitter. Criteria: ACMG Guidelines, 2015. Collection method: clinical testing. Allele origin: germline. Affected: yes.
Comment: Absent from controls (or at extremely low frequency if recessive) in Genome Aggregation Database, Exome Sequencing Project, 1000 Genomes Project, or Exome Aggregation Consortium.;Null variant in a gene where loss of function (LOF) is a known mechanism of disease.;The prevalence of the variant in affected individuals is significantly increased compared to the prevalence in controls.

NIHR Bioresource Rare Diseases, University of Cambridge
Classification: Pathogenic for Pulmonary arterial hypertension. Review status: no assertion criteria provided. Collection method: research. Allele origin: unknown. Affected: yes. Observed: 1 variant allele. Not counted in ClinVar's aggregate classification.

Rare Disease Genomics Group, St George's University of London
Classification: Pathogenic for Primary pulmonary hypertension. Review status: no assertion criteria provided. Collection method: literature only. Allele origin: germline. Affected: yes. Not counted in ClinVar's aggregate classification.

Wendy Chung Laboratory, Boston Children's Hospital
No classification provided. Condition: Idiopathic and/or familial pulmonary arterial hypertension. Review status: no classification provided. Collection method: literature only. Allele origin: germline. Affected: yes. Observed: 4 variant alleles. Not counted in ClinVar's aggregate classification.

Literature cited by the submitters: PubMed 16429395 (cited by Labcorp Genetics (formerly Invitae), Labcorp and Rare Disease Genomics Group, St George's University of London); PubMed 15146475 (cited by Labcorp Genetics (formerly Invitae), Labcorp and Rare Disease Genomics Group, St George's University of London); PubMed 32581362 (cited by NIHR Bioresource Rare Diseases, University of Cambridge); PubMed 16717148 (cited by Rare Disease Genomics Group, St George's University of London); PubMed 24591673 (cited by Rare Disease Genomics Group, St George's University of London); PubMed 26387786 (cited by Rare Disease Genomics Group, St George's University of London); PubMed 31727138 (cited by Wendy Chung Laboratory, Boston Children's Hospital).